The following is an entry in ClinVar:

NM_033026.6(PCLO):c.10301C>T (p.Pro3434Leu)

Gene: PCLO (piccolo presynaptic cytomatrix protein; minus strand). Cytogenetic location: 7q21.11.
Variant type: single nucleotide variant.
Coding change: c.10301C>T on transcript NM_033026.6 (MANE Select); coding-DNA position 10301, C replaced by T.
Protein change: p.Pro3434Leu; replaces proline 3434 with leucine.
Molecular consequence: missense variant.
Genome position (GRCh38, 1-based): chr7:82,950,287, G>A on the plus strand (C>T on the coding strand, the complement: PCLO is on the minus strand). VCF-style: chr7-82950287-G-A. GRCh37 (hg19) VCF-style: chr7-82579603-G-A.
Other names: c.10301C>T, p.Pro3434Leu (NM_014510.3); short protein forms P3434L.
Identifiers: ClinVar variation 1466993 (VCV001466993.5), dbSNP rs374012793, ClinGen allele CA4319762.

ClinVar aggregate classification (germline): Uncertain significance (1 of 4 stars; one submission).

Allele frequency attached by ClinVar (database versions not stated): gnomAD exomes 0.00001 and 0.00003; ExAC 0.00005; ESP Exome Variant Server 0.00008; gnomAD 0.00014 and 0.00015; 1000 Genomes Project 30x 0.00016; 1000 Genomes Project 0.00020.
gnomAD v4.1: 34 of 1,613,024 alleles (0.0021%); highest among the groups gnomAD compares: African/African-American, 0.04%; no homozygotes.

Submission:

Labcorp Genetics (formerly Invitae), Labcorp
Classification: Uncertain significance. Last evaluated: 2021-09-01. Review status: criteria provided, single submitter. Criteria: Invitae Variant Classification Sherloc (09022015). Collection method: clinical testing. Allele origin: germline.
Comment: This sequence change replaces proline with leucine at codon 3434 of the PCLO protein (p.Pro3434Leu). The proline residue is moderately conserved and there is a moderate physicochemical difference between proline and leucine. This variant is present in population databases (rs374012793, ExAC 0.05%). This variant has not been reported in the literature in individuals affected with PCLO-related conditions. Algorithms developed to predict the effect of missense changes on protein structure and function are either unavailable or do not agree on the potential impact of this missense change (SIFT: "Deleterious"; PolyPhen-2: "Not Available"; Align-GVGD: "Class C0"). In summary, the available evidence is currently insufficient to determine the role of this variant in disease. Therefore, it has been classified as a Variant of Uncertain Significance.